The following is an entry in ClinVar:

NM_002740.6(PRKCI):c.1560G>A (p.Pro520=)

Gene: PRKCI (protein kinase C iota; plus strand). Cytogenetic location: 3q26.2.
Variant type: single nucleotide variant.
Coding change: c.1560G>A on transcript NM_002740.6 (MANE Select); coding-DNA position 1560, G replaced by A.
Protein change: p.Pro520=; no amino-acid change (proline 520 retained).
Molecular consequence: synonymous variant.
Genome position (GRCh38, 1-based): chr3:170,297,366, G>A. VCF-style: chr3-170297366-G-A. GRCh37 (hg19) VCF-style: chr3-170015154-G-A.
Identifiers: ClinVar variation 4979830 (VCV004979830.1).

ClinVar aggregate classification (germline): Likely benign (1 of 4 stars; one submission).

Conditions:
PRKCI-related disorder. Also called: PRKCI-related condition.

gnomAD v4.1: 71 of 1,613,132 alleles (0.0044%); highest among the groups gnomAD compares: East Asian, 0.12%; 1 homozygote.

Submission:

PreventionGenetics, part of Exact Sciences
Classification: Likely benign for PRKCI-related condition. Last evaluated: 2025-04-24. Review status: criteria provided, single submitter. Criteria: ACMG Guidelines, 2015. Collection method: clinical testing. Allele origin: germline.
Comment: This variant is classified as likely benign based on ACMG/AMP sequence variant interpretation guidelines (Richards et al. 2015 PMID: 25741868, with internal and published modifications).